The following is an entry in ClinVar:

ClinVar aggregate classification (germline): Uncertain significance (1 of 4 stars; one submission).

Submission:

Labcorp Genetics (formerly Invitae), Labcorp
Classification: Uncertain significance. Last evaluated: 2025-01-08. Review status: criteria provided, single submitter. Criteria: Invitae Variant Classification Sherloc (09022015). Collection method: clinical testing. Allele origin: germline.
Comment: This sequence change replaces leucine, which is neutral and non-polar, with methionine, which is neutral and non-polar, at codon 784 of the ZSWIM6 protein (p.Leu784Met). This variant is not present in population databases (gnomAD no frequency). This variant has not been reported in the literature in individuals affected with ZSWIM6-related conditions. Invitae Evidence Modeling of protein sequence and biophysical properties (such as structural, functional, and spatial information, amino acid conservation, physicochemical variation, residue mobility, and thermodynamic stability) has been performed for this missense variant. However, the output from this modeling did not meet the statistical confidence thresholds required to predict the impact of this variant on ZSWIM6 protein function. In summary, the available evidence is currently insufficient to determine the role of this variant in disease. Therefore, it has been classified as a Variant of Uncertain Significance.

NM_020928.2(ZSWIM6):c.2350T>A (p.Leu784Met)

Gene: ZSWIM6 (zinc finger SWIM-type containing 6; plus strand). Cytogenetic location: 5q12.1.
Variant type: single nucleotide variant.
Coding change: c.2350T>A on transcript NM_020928.2 (MANE Select); coding-DNA position 2350, T replaced by A.
Protein change: p.Leu784Met; replaces leucine 784 with methionine.
Molecular consequence: missense variant.
Genome position (GRCh38, 1-based): chr5:61,535,588, T>A. VCF-style: chr5-61535588-T-A. GRCh37 (hg19) VCF-style: chr5-60831415-T-A.
Other names: short protein forms L784M.
Identifiers: ClinVar variation 3682741 (VCV003682741.2).